The following is an entry in ClinVar:

ClinVar aggregate classification (germline): Uncertain significance. Review status: criteria provided, multiple submitters, no conflicts (2 of 4 stars). 2 submissions from 2 submitters: Uncertain significance (2). Last evaluated 2025-12-15.

Conditions:
Posterior column ataxia-retinitis pigmentosa syndrome (RETSNS). Also called: RETINOPATHY-SENSORY NEUROPATHY SYNDROME. Identifiers: Orphanet 88628, MedGen C1836916, MONDO:0012177, OMIM 609033.

Allele frequency attached by ClinVar (database versions not stated): gnomAD exomes below 0.00001 and 0.00001; gnomAD 0.00001; TOPMed 0.00002.

Submissions (2):

Labcorp Genetics (formerly Invitae), Labcorp
Classification: Uncertain significance. Last evaluated: 2025-12-15. Review status: criteria provided, single submitter. Criteria: Invitae Variant Classification Sherloc (09022015). Collection method: clinical testing. Allele origin: germline.
Comment: This sequence change replaces alanine, which is neutral and non-polar, with threonine, which is neutral and polar, at codon 202 of the FLVCR2 protein (p.Ala202Thr). The frequency data for this variant in the population databases is considered unreliable, as metrics indicate poor data quality at this position in the gnomAD database. This variant has not been reported in the literature in individuals affected with FLVCR2-related conditions. ClinVar contains an entry for this variant (Variation ID: 314413). Invitae Evidence Modeling of protein sequence and biophysical properties (such as structural, functional, and spatial information, amino acid conservation, physicochemical variation, residue mobility, and thermodynamic stability) indicates that this missense variant is expected to disrupt FLVCR2 protein function with a positive predictive value of 80%. In summary, the available evidence is currently insufficient to determine the role of this variant in disease. Therefore, it has been classified as a Variant of Uncertain Significance.

Illumina Laboratory Services, Illumina
Classification: Uncertain significance for Posterior column ataxia-retinitis pigmentosa syndrome. Last evaluated: 2018-01-12. Review status: criteria provided, single submitter. Criteria: ICSL Variant Classification Criteria 13 December 2019. Collection method: clinical testing. Allele origin: germline.

NM_017791.3(FLVCR2):c.604G>A (p.Ala202Thr)

Genes: FLVCR2 (FLVCR choline and putative heme transporter 2; plus strand), FLVCR2-AS1 (FLVCR2 antisense RNA 1; minus strand). Cytogenetic location: 14q24.3.
Variant type: single nucleotide variant.
Coding change: c.604G>A on transcript NM_017791.3 (MANE Select); coding-DNA position 604, G replaced by A.
Protein change: p.Ala202Thr; replaces alanine 202 with threonine.
Molecular consequence: missense variant. On other transcripts: non-coding transcript variant (1).
Genome position (GRCh38, 1-based): chr14:75,579,576, G>A. VCF-style: chr14-75579576-G-A. GRCh37 (hg19) VCF-style: chr14-76045919-G-A.
Other names: short protein forms A202T.
Identifiers: ClinVar variation 314413 (VCV000314413.6), dbSNP rs886050786, ClinGen allele CA10646186.